The following is an entry in ClinVar:

ClinVar aggregate classification (germline): Benign/Likely benign. Review status: criteria provided, multiple submitters, no conflicts (2 of 4 stars). 2 submissions from 2 submitters: Benign (1); Likely benign (1). Last evaluated 2025-11-20.

Conditions:
Hereditary cancer-predisposing syndrome. Also called: Neoplastic Syndromes, Hereditary; Tumor predisposition; Hereditary Cancer Syndrome; Hereditary neoplastic syndrome. Identifiers: Orphanet 140162, MedGen C0027672, MeSH D009386, MONDO:0015356.
POLD1-related polyposis and colorectal cancer syndrome (CRCS10). Also called: Colorectal cancer 10; COLORECTAL CANCER, SUSCEPTIBILITY TO, ON CHROMOSOME 19q; Colorectal cancer, susceptibility to, 10. Identifiers: Orphanet 220460, MedGen C2675481, MONDO:0012953, OMIM 612591.

gnomAD v4.1: 2 of 1,614,100 alleles (0.00012%); highest among the groups gnomAD compares: Non-Finnish European, 0.00017%; no homozygotes.

Submissions (2):

Ambry Genetics
Classification: Likely benign for Hereditary cancer-predisposing syndrome. Last evaluated: 2025-11-20. Review status: criteria provided, single submitter. Criteria: Ambry Variant Classification Scheme 2023. Collection method: clinical testing. Allele origin: germline.

Myriad Genetics, Inc.
Classification: Benign for POLD1-related polyposis and colorectal cancer syndrome. Last evaluated: 2025-02-05. Review status: criteria provided, single submitter. Criteria: Myriad Autosomal Dominant, Autosomal Recessive and X-Linked Classification Criteria (2023). Collection method: clinical testing. Allele origin: unknown.
Comment: This variant is considered benign. This variant is a silent/synonymous amino acid change and it is not expected to impact splicing.

NM_002691.4(POLD1):c.1176G>A (p.Val392=)

Gene: POLD1 (DNA polymerase delta 1, catalytic subunit; plus strand). Cytogenetic location: 19q13.33.
Variant type: single nucleotide variant.
Coding change: c.1176G>A on transcript NM_002691.4 (MANE Select); coding-DNA position 1176, G replaced by A.
Protein change: p.Val392=; no amino-acid change (valine 392 retained).
Molecular consequence: synonymous variant. On other transcripts: non-coding transcript variant (1).
Genome position (GRCh38, 1-based): chr19:50,403,531, G>A. VCF-style: chr19-50403531-G-A. GRCh37 (hg19) VCF-style: chr19-50906788-G-A.
Other names: c.1176G>A (NM_002691.2); c.1176G>A, p.Val392= (NM_001256849.1, NM_001308632.1).
Identifiers: ClinVar variation 3904173 (VCV003904173.2).
Genomic context (GRCh38, chr19:50,403,531, plus strand): 5'-CCCAATGTGCTCCCACCCCCAGGCCTGGTCCACCTTCATCCGTATCATGGACCCCGACGT[G>A]ATCACCGGTTACAACATCCAGAACTTCGACCTTCCGTACCTCATCTCTCGGGCCCAGACC-3'
Protein context (NP_002682.2, residues 382-402): STFIRIMDPD[Val392=]ITGYNIQNFD